The following is an entry in ClinVar:

ClinVar aggregate classification (germline): Uncertain significance (1 of 4 stars; one submission).

Submission:

GeneDx
Classification: Uncertain significance. Last evaluated: 2024-01-20. Review status: criteria provided, single submitter. Criteria: GeneDx Variant Classification Process June 2021. Collection method: clinical testing. Allele origin: germline. Affected: yes.
Comment: Not observed at significant frequency in large population cohorts (gnomAD); In silico analysis supports that this missense variant has a deleterious effect on protein structure/function; Has not been previously published as pathogenic or benign to our knowledge

NM_030632.3(ASXL3):c.3170T>C (p.Ile1057Thr)

Gene: ASXL3 (ASXL transcriptional regulator 3; plus strand). Cytogenetic location: 18q12.1.
Variant type: single nucleotide variant.
Coding change: c.3170T>C on transcript NM_030632.3 (MANE Select); coding-DNA position 3170, T replaced by C.
Protein change: p.Ile1057Thr; replaces isoleucine 1057 with threonine.
Molecular consequence: missense variant.
Genome position (GRCh38, 1-based): chr18:33,743,018, T>C. VCF-style: chr18-33743018-T-C. GRCh37 (hg19) VCF-style: chr18-31322982-T-C.
Other names: short protein forms I1057T.
Identifiers: ClinVar variation 3367601 (VCV003367601.1).